The following is an entry in ClinVar:

NM_015909.4(NBAS):c.2452G>C (p.Glu818Gln)

Gene: NBAS (NBAS subunit of NRZ tethering complex; minus strand). Cytogenetic location: 2p24.3.
Variant type: single nucleotide variant.
Coding change: c.2452G>C on transcript NM_015909.4 (MANE Select); coding-DNA position 2452, G replaced by C.
Protein change: p.Glu818Gln; replaces glutamic acid 818 with glutamine.
Molecular consequence: missense variant. On other transcripts: non-coding transcript variant (1).
Genome position (GRCh38, 1-based): chr2:15,424,440, C>G on the plus strand (G>C on the coding strand, the complement: NBAS is on the minus strand). VCF-style: chr2-15424440-C-G. GRCh37 (hg19) VCF-style: chr2-15564564-C-G.
Other names: short protein forms E818Q.
Identifiers: ClinVar variation 1501305 (VCV001501305.5), dbSNP rs1277953347, ClinGen allele CA345890188.

ClinVar aggregate classification (germline): Uncertain significance (1 of 4 stars; one submission).

Allele frequency attached by ClinVar (database versions not stated): TOPMed below 0.00001; gnomAD 0.00001; gnomAD exomes 0.00001.
gnomAD v4.1: 9 of 1,614,000 alleles (0.00056%); highest among the groups gnomAD compares: Non-Finnish European, 0.00076%; no homozygotes.

Submission:

Labcorp Genetics (formerly Invitae), Labcorp
Classification: Uncertain significance. Last evaluated: 2022-03-30. Review status: criteria provided, single submitter. Criteria: Invitae Variant Classification Sherloc (09022015). Collection method: clinical testing. Allele origin: germline.
Comment: This sequence change replaces glutamic acid, which is acidic and polar, with glutamine, which is neutral and polar, at codon 818 of the NBAS protein (p.Glu818Gln). This variant is present in population databases (no rsID available, gnomAD 0.002%). In summary, the available evidence is currently insufficient to determine the role of this variant in disease. Therefore, it has been classified as a Variant of Uncertain Significance. Algorithms developed to predict the effect of missense changes on protein structure and function (SIFT, PolyPhen-2, Align-GVGD) all suggest that this variant is likely to be disruptive. This variant has not been reported in the literature in individuals affected with NBAS-related conditions.